The following is an entry in ClinVar:

NM_170675.5(MEIS2):c.1139G>A (p.Arg380Gln)

Gene: MEIS2 (Meis homeobox 2; minus strand). Cytogenetic location: 15q14.
Variant type: single nucleotide variant.
Coding change: c.1139G>A on transcript NM_170675.5 (MANE Select); coding-DNA position 1139, G replaced by A.
Protein change: p.Arg380Gln; replaces arginine 380 with glutamine.
Molecular consequence: missense variant. On other transcripts: non-coding transcript variant (1).
Genome position (GRCh38, 1-based): chr15:36,895,159, C>T on the plus strand (G>A on the coding strand, the complement: MEIS2 is on the minus strand). VCF-style: chr15-36895159-C-T. GRCh37 (hg19) VCF-style: chr15-37187360-C-T.
Other names: c.1118G>A, p.Arg373Gln (NM_001220482.2, NM_170674.5, NM_170676.5); c.1079G>A, p.Arg360Gln (NM_002399.4); c.1139G>A, p.Arg380Gln (NM_170677.5); c.1100G>A, p.Arg367Gln (NM_172315.3); c.854G>A, p.Arg285Gln (NM_172316.3); short protein forms R360Q, R380Q, R285Q, R373Q, R367Q.
Identifiers: ClinVar variation 4839617 (VCV004839617.1).
Genomic context (GRCh38, chr15:36,895,159, plus strand): 5'-GGAGCAGGTGGCACTTCCCAGGGAAGCCCAGAGGCGGGATGAGCCAACCTACCTGCAGGC[C>T]GGATCCCCATGTGTTGCTGACCATCCAACACAAAGCTCCCCATGGGCTGACCCTCTGGAC-3'
Protein context (NP_733775.1, residues 370-390): VLDGQQHMGI[Arg380Gln]PAGLQSMPGD

ClinVar aggregate classification (germline): Uncertain significance (1 of 4 stars; one submission).

Conditions:
Inborn genetic diseases. Identifiers: MedGen C0950123, MeSH D030342.

gnomAD v4.1: 3 of 1,613,656 alleles (0.00019%); highest among the groups gnomAD compares: Non-Finnish European, 0.00025%; no homozygotes.

Submission:

Ambry Genetics
Classification: Uncertain significance for Inborn genetic diseases. Last evaluated: 2026-01-21. Review status: criteria provided, single submitter. Criteria: Ambry Variant Classification Scheme 2023. Collection method: clinical testing. Allele origin: germline.
Comment: The c.1139G>A (p.R380Q) alteration is located in exon 11 (coding exon 11) of the MEIS2 gene. This alteration results from a G to A substitution at nucleotide position 1139, causing the arginine (R) at amino acid position 380 to be replaced by a glutamine (Q). This variant was not reported in population-based cohorts in the Genome Aggregation Database (gnomAD). This amino acid position is highly conserved in available vertebrate species. This alteration is predicted to be deleterious by in silico analysis. Based on insufficient or conflicting evidence, the clinical significance of this alteration remains unclear.